The following is an entry in ClinVar:

GRCh37/hg19 Xp22.33-22.2(chrX:2703633-14515021)x2

Genes: AMELX (amelogenin X-linked; plus strand), ANOS1 (anosmin 1; minus strand), ARHGAP6 (Rho GTPase activating protein 6; minus strand), ARSD (arylsulfatase D; minus strand), ARSD-AS1 (ARSD antisense RNA 1; plus strand) and 39 more. Cytogenetic location: Xp22.33-22.2.
Variant type: copy number gain.
Change: copy number 2 of chrX:2,703,633-14,515,021 (11.81 Mb, GRCh37 coordinates, 1-based), cytogenetic band Xp22.33-22.2.
Identifiers: ClinVar variation 1808678 (VCV001808678.1).

ClinVar aggregate classification (germline): Pathogenic (1 of 4 stars; one submission).

Submission:

Quest Diagnostics Nichols Institute San Juan Capistrano
Classification: Pathogenic. Last evaluated: 2022-05-28. Review status: criteria provided, single submitter. Criteria: ACMG/ClinGen CNV Guidelines, 2019. Collection method: clinical testing. Allele origin: unknown.
Comment: The copy number gain of Xp22.33p22.2 involves numerous protein-coding genes, 18 of which are associated with phenotypes in OMIM. There have been multiple reports of microduplications, and in some cases, microtriplications, of Xp22.31 with various clinical features including developmental delay (DD), intellectual disability (ID), seizures, talipes anomalies, feeding difficulties, autism spectrum disorder (ASD), and hypotonia (Esplin 2014, Li 2010, Liu 2014). Males are more likely to present with a phenotype; however, there are instances of affected females (Esplin 2014, Li 2010). While copy number gains of this interval have not yet been associated with a specific clinical phenotype, there are no similar copy number gains of this region in the general populations of the Database of Genomic Variants. Thus, based on current medical literature and gene content, this copy number variant (CNV) is interpreted as pathogenic. References: Li et al., Eur J Med Genet. Mar-Apr 2010;53(2):93-9. PMID: 20132918. Liu et al., Hum Mol Genet. 2011 May 15;20(10):1975-88. PMID: 21355048. Esplin et al., Am J Med Genet A. 2014 Aug;164A(8):2097-103. PMID: 24800990.